The following is an entry in ClinVar:

ClinVar aggregate classification (germline): Uncertain significance. Review status: criteria provided, multiple submitters, no conflicts (2 of 4 stars). 2 submissions from 2 submitters: Uncertain significance (2). Last evaluated 2022-03-20.

Allele frequency attached by ClinVar (database versions not stated): ExAC 0.00002.

Submissions (2):

Labcorp Genetics (formerly Invitae), Labcorp
Classification: Uncertain significance. Last evaluated: 2022-03-20. Review status: criteria provided, single submitter. Criteria: Invitae Variant Classification Sherloc (09022015). Collection method: clinical testing. Allele origin: germline.
Comment: In summary, the available evidence is currently insufficient to determine the role of this variant in disease. Therefore, it has been classified as a Variant of Uncertain Significance. Algorithms developed to predict the effect of missense changes on protein structure and function are either unavailable or do not agree on the potential impact of this missense change (SIFT: "Deleterious"; PolyPhen-2: "Probably Damaging"; Align-GVGD: "Class C0"). This variant has not been reported in the literature in individuals affected with MYO5B-related conditions. This variant is present in population databases (rs201797985, gnomAD 0.01%). This sequence change replaces leucine, which is neutral and non-polar, with valine, which is neutral and non-polar, at codon 756 of the MYO5B protein (p.Leu756Val).

CeGaT Center for Human Genetics Tuebingen
Classification: Uncertain significance. Last evaluated: 2022-01-01. Review status: criteria provided, single submitter. Criteria: CeGaT Center For Human Genetics Tuebingen Variant Classification Criteria Version 2. Collection method: clinical testing. Allele origin: germline. Affected: yes. Observed: 1 variant allele.

NM_001080467.3(MYO5B):c.2266C>G (p.Leu756Val)

Gene: MYO5B (myosin VB; minus strand). Cytogenetic location: 18q21.1.
Variant type: single nucleotide variant.
Coding change: c.2266C>G on transcript NM_001080467.3 (MANE Select); coding-DNA position 2266, C replaced by G.
Protein change: p.Leu756Val; replaces leucine 756 with valine.
Molecular consequence: missense variant.
Genome position (GRCh38, 1-based): chr18:49,906,567, G>C on the plus strand (C>G on the coding strand, the complement: MYO5B is on the minus strand). VCF-style: chr18-49906567-G-C. GRCh37 (hg19) VCF-style: chr18-47432937-G-C.
Other names: short protein forms L756V.
Identifiers: ClinVar variation 1368093 (VCV001368093.38), dbSNP rs201797985, ClinGen allele CA8961141.